The following is an entry in ClinVar:

NC_000023.11:g.(?_136650246)_(136654450_?)del

Gene: CD40LG (CD40 ligand; plus strand). Cytogenetic location: Xq26.3.
Variant type: Deletion.
Identifiers: ClinVar variation 530674 (VCV000530674.4).

ClinVar aggregate classification (germline): Likely pathogenic (1 of 4 stars; one submission).

Conditions:
Hyper-IgM syndrome type 1. Also called: CD40 Ligand Deficiency; X-linked hyper-IgM syndrome; Immunodeficiency, X-linked, with hyper-IgM; Hyper-IgM Immunodeficiency Syndrome, Type 1. Identifiers: Orphanet 101088, MedGen C0398689, MONDO:0010626, OMIM 308230.

Submission:

Labcorp Genetics (formerly Invitae), Labcorp
Classification: Likely pathogenic for Hyper-IgM syndrome type 1. Last evaluated: 2018-11-06. Review status: criteria provided, single submitter. Criteria: Invitae Variant Classification Sherloc (09022015). Collection method: clinical testing. Allele origin: germline.
Comment: In summary, the currently available evidence indicates that the variant is pathogenic, but additional data are needed to prove that conclusively. Therefore, this variant has been classified as Likely Pathogenic. This gross deletion is expected to disrupt 80% of the total CD40LG protein, including the entire C-terminal extracellular TNF homology domain (amino acids 123-261), which is critical for proper CD40LG trimer formation and CD40 binding (PMID: 9746782, 8589998, 16509032). While functional studies for this variant have not been reported, these findings suggest that deletion of this region of the CD40LG protein is causative of disease. A smaller out-of-frame deletion affecting exon 3 has been reported in a single family affected with hyper IgM syndrome (PMID: 14641931). This suggests that deletion of this region of the CD40LG protein is causative of disease. Gross deletion of exons 2-3 has not been reported in the literature in individuals with CD40LG-related disease. This variant is an out-of-frame deletion of the genomic region encompassing exons 2-3 of the CD40LG gene. This is expected to create a premature translational stop signal in the CD40LG gene. While this is not anticipated to result in nonsense mediated decay, it is expected to disrupt approximately 80% of the CD40LG protein.

Literature cited by the submitters: PubMed 9746782; PubMed 8589998; PubMed 16509032; PubMed 14641931.